The following is an entry in ClinVar:

NM_003995.4(NPR2):c.1954G>A (p.Val652Met)

Gene: NPR2 (natriuretic peptide receptor 2; plus strand). Cytogenetic location: 9p13.3.
Variant type: single nucleotide variant.
Coding change: c.1954G>A on transcript NM_003995.4 (MANE Select); coding-DNA position 1954, G replaced by A.
Protein change: p.Val652Met; replaces valine 652 with methionine.
Molecular consequence: missense variant.
Genome position (GRCh38, 1-based): chr9:35,805,577, G>A. VCF-style: chr9-35805577-G-A. GRCh37 (hg19) VCF-style: chr9-35805574-G-A.
Other names: c.1963G>A, p.Val655Met (NM_001378923.1); short protein forms V652M, V655M.
Identifiers: ClinVar variation 2953166 (VCV002953166.3), dbSNP rs2491059798, ClinGen allele CA373376524.

ClinVar aggregate classification (germline): Uncertain significance (1 of 4 stars; one submission).

Conditions:
Acromesomelic dysplasia 1, Maroteaux type (AMD1). Also called: ST. HELENA DYSPLASIA; ACROMESOMELIC DYSPLASIA 1. Identifiers: Orphanet 40, MedGen C1864356, MONDO:0011275, OMIM 602875.
Tall stature-scoliosis-macrodactyly of the great toes syndrome. Also called: Epiphyseal chondrodysplasia, miura type. Identifiers: Orphanet 329191, MedGen C4014690, MONDO:0014401, OMIM 615923.

Submission:

Labcorp Genetics (formerly Invitae), Labcorp
Classification: Uncertain significance for Tall stature-scoliosis-macrodactyly of the great toes syndrome; Acromesomelic dysplasia 1, Maroteaux type. Last evaluated: 2025-03-17. Review status: criteria provided, single submitter. Criteria: Invitae Variant Classification Sherloc (09022015). Collection method: clinical testing. Allele origin: germline.
Comment: This sequence change replaces valine, which is neutral and non-polar, with methionine, which is neutral and non-polar, at codon 652 of the NPR2 protein (p.Val652Met). This variant is not present in population databases (gnomAD no frequency). This variant has not been reported in the literature in individuals affected with NPR2-related conditions. ClinVar contains an entry for this variant (Variation ID: 2953166). Invitae Evidence Modeling of protein sequence and biophysical properties (such as structural, functional, and spatial information, amino acid conservation, physicochemical variation, residue mobility, and thermodynamic stability) has been performed for this missense variant. However, the output from this modeling did not meet the statistical confidence thresholds required to predict the impact of this variant on NPR2 protein function. In summary, the available evidence is currently insufficient to determine the role of this variant in disease. Therefore, it has been classified as a Variant of Uncertain Significance.